The following is an entry in ClinVar:

ClinVar aggregate classification (germline): Uncertain significance (0 of 4 stars; one submission).

Conditions:
ARID1B-Related Disorder. Identifiers: MedGen CN381337.

gnomAD v4.1: 1 of 1,614,194 alleles (0.000062%); highest among the groups gnomAD compares: Non-Finnish European, 0.000085%; no homozygotes.

Submission:

PreventionGenetics, part of Exact Sciences
Classification: Uncertain significance for ARID1B-related condition. Last evaluated: 2024-09-09. Review status: no assertion criteria provided. Collection method: clinical testing. Allele origin: germline.
Comment: The ARID1B c.5251G>T variant is predicted to result in the amino acid substitution p.Asp1751Tyr. To our knowledge, this variant has not been reported in the literature or in a large population database, indicating this variant is rare. At this time, the clinical significance of this variant is uncertain due to the absence of conclusive functional and genetic evidence.

NM_001374828.1(ARID1B):c.5620G>T (p.Asp1874Tyr)

Gene: ARID1B (AT-rich interaction domain 1B; plus strand). Cytogenetic location: 6q25.3.
Variant type: single nucleotide variant.
Coding change: c.5620G>T on transcript NM_001374828.1 (MANE Select); coding-DNA position 5620, G replaced by T.
Protein change: p.Asp1874Tyr; replaces aspartic acid 1874 with tyrosine.
Molecular consequence: missense variant.
Genome position (GRCh38, 1-based): chr6:157,206,392, G>T. VCF-style: chr6-157206392-G-T. GRCh37 (hg19) VCF-style: chr6-157527526-G-T.
Other names: c.5251G>T (NM_020732.3); c.3121G>T, p.Asp1041Tyr (NM_001363725.2); c.5500G>T, p.Asp1834Tyr (NM_001371656.1, NM_001374820.1); c.5461G>T, p.Asp1821Tyr (NM_017519.3); short protein forms D1041Y, D1821Y, D1834Y, D1874Y.
Identifiers: ClinVar variation 3347942 (VCV003347942.1).
Genomic context (GRCh38, chr6:157,206,392, plus strand): 5'-GAGGAGGAAGATGCTGAATGTATTGATGACGACGAGGAAGACGAGGAGGATGAGGAGGAA[G>T]ACAGCGAGAAGACAGAAAGCGATGAAAAGAGCAGCATCGCTCTGACTGCCCCGGACGCCG-3'
Protein context (NP_001361757.1, residues 1864-1884): DEEDEEDEEE[Asp1874Tyr]SEKTESDEKS